The following is an entry in ClinVar:

NM_007055.4(POLR3A):c.3190del (p.Thr1064fs)

Genes: POLR3A (RNA polymerase III subunit A; minus strand), LOC126860970 (BRD4-independent group 4 enhancer GRCh37_chr10:79743812-79745011; plus strand). Cytogenetic location: 10q22.3.
Variant type: Deletion.
Coding change: c.3190del on transcript NM_007055.4 (MANE Select); coding-DNA position 3190, one base deleted (A; older notation c.3190delA).
Protein change: p.Thr1064fs; shifts the reading frame from threonine 1064.
Molecular consequence: frameshift variant.
Genome position (GRCh38, 1-based): chr10:77,985,222, T deleted on the plus strand (A on the coding strand, the reverse complement: POLR3A is on the minus strand). VCF-style (leftmost placement, unchanged base first): chr10-77985221-GT-G. GRCh37 (hg19) VCF-style: chr10-79744979-GT-G.
Other names: short protein forms T1064fs.
Identifiers: ClinVar variation 1431129 (VCV001431129.6), dbSNP rs2131930706, ClinGen allele CA2573145785.
Genomic context (GRCh38, chr10:77,985,221, plus strand): 5'-AGCAGGCACCTGATGGCCTTGGAAGCGTTGATGATCTCTTTAATCCGGGGCACGCCCAGG[GT>G]GATGTTCATGGAGGCCACACCTGCAAAGTGGAAAGTCTTCAGGGTCATCTGGGTGCCTGG-3'

ClinVar aggregate classification (germline): Pathogenic (1 of 4 stars; one submission).

Submission:

Labcorp Genetics (formerly Invitae), Labcorp
Classification: Pathogenic. Last evaluated: 2024-02-24. Review status: criteria provided, single submitter. Criteria: Invitae Variant Classification Sherloc (09022015). Collection method: clinical testing. Allele origin: germline.
Comment: This sequence change creates a premature translational stop signal (p.Thr1064Profs*26) in the POLR3A gene. It is expected to result in an absent or disrupted protein product. Loss-of-function variants in POLR3A are known to be pathogenic (PMID: 21855841, 25339210, 27612211, 30414627, 30450527). This variant is not present in population databases (gnomAD no frequency). This variant has not been reported in the literature in individuals affected with POLR3A-related conditions. ClinVar contains an entry for this variant (Variation ID: 1431129). For these reasons, this variant has been classified as Pathogenic.

Literature cited by the submitters: PubMed 21855841; PubMed 25339210; PubMed 27612211; PubMed 30414627; PubMed 30450527.